The following is an entry in ClinVar:

ClinVar aggregate classification (germline): Likely benign. Review status: criteria provided, multiple submitters, no conflicts (2 of 4 stars). 3 submissions from 3 submitters: Likely benign (3). Last evaluated 2024-09-30.

Allele frequency attached by ClinVar (database versions not stated): ExAC 0.00001.
gnomAD v4.1: 3 of 1,614,192 alleles (0.00019%); highest among the groups gnomAD compares: Admixed American, 0.0017%; no homozygotes.

Submissions (3):

Women's Health and Genetics/Laboratory Corporation of America, LabCorp
Classification: Likely benign. Last evaluated: 2024-09-30. Review status: criteria provided, single submitter. Criteria: LabCorp Variant Classification Summary - May 2015. Collection method: clinical testing. Allele origin: germline.

Labcorp Genetics (formerly Invitae), Labcorp
Classification: Likely benign. Last evaluated: 2024-01-24. Review status: criteria provided, single submitter. Criteria: Invitae Variant Classification Sherloc (09022015). Collection method: clinical testing. Allele origin: germline.

CeGaT Center for Human Genetics Tuebingen
Classification: Likely benign. Last evaluated: 2022-10-01. Review status: criteria provided, single submitter. Criteria: CeGaT Center For Human Genetics Tuebingen Variant Classification Criteria Version 2. Collection method: clinical testing. Allele origin: germline. Affected: yes. Observed: 2 variant alleles.
Comment: SON: BP4, BP7

NM_138927.4(SON):c.5235T>G (p.Leu1745=)

Gene: SON (SON DNA and RNA binding protein; plus strand). Cytogenetic location: 21q22.11.
Variant type: single nucleotide variant.
Coding change: c.5235T>G on transcript NM_138927.4 (MANE Select); coding-DNA position 5235, T replaced by G.
Protein change: p.Leu1745=; no amino-acid change (leucine 1745 retained).
Molecular consequence: synonymous variant. On other transcripts: non-coding transcript variant (1), intron variant (1).
Genome position (GRCh38, 1-based): chr21:33,554,466, T>G. VCF-style: chr21-33554466-T-G. GRCh37 (hg19) VCF-style: chr21-34926772-T-G.
Other names: c.5235T>G, p.Leu1745= (NM_001291411.2, NM_001412133.1, NM_032195.3 and 2 more transcripts); c.245-2690T>G (NM_001291412.3).
Identifiers: ClinVar variation 1944170 (VCV001944170.30), dbSNP rs755493782, ClinGen allele CA10009689.
Genomic context (GRCh38, chr21:33,554,466, plus strand): 5'-TGAGGATATTAATGAAGCAGATTTAGTGAGACCGTTACTTCCTAAGGACATGGAACGTCT[T>G]ACAAGCCTTAGAGCTGGCATTGAAGGACCTTTACTTGCAAGTGATGTTGGACGTGACAGA-3'
Protein context (NP_620305.3, residues 1735-1755): RPLLPKDMER[Leu1745=]TSLRAGIEGP